The following is an entry in ClinVar:

ClinVar aggregate classification (germline): Benign (1 of 4 stars; one submission).

Submission:

GeneDx
Classification: Benign. Last evaluated: 2018-06-14. Review status: criteria provided, single submitter. Criteria: GeneDx Variant Classification (06012015). Collection method: clinical testing. Allele origin: germline. Affected: yes.
Comment: This variant is considered likely benign or benign based on one or more of the following criteria: it is a conservative change, it occurs at a poorly conserved position in the protein, it is predicted to be benign by multiple in silico algorithms, and/or has population frequency not consistent with disease.

NM_000533.5(PLP1):c.763-304dup

Genes: PLP1 (proteolipid protein 1; plus strand), RAB9B (RAB9B, member RAS oncogene family; minus strand). Cytogenetic location: Xq22.2.
Variant type: Duplication.
Coding change: c.763-304dup on transcript NM_000533.5 (MANE Select); 304 bases into the intron before coding-DNA position 763, one base duplicated (C; older notation c.763-304dupC).
Molecular consequence: intron variant.
Genome position (GRCh38, 1-based): chrX:103,790,223, C duplicated; the last of 3 consecutive C bases (chrX:103,790,221-103,790,223); duplicating any one gives the same sequence. VCF-style (leftmost placement, unchanged base first): chrX-103790220-G-GC. GRCh37 (hg19) VCF-style: chrX-103045149-G-GCC.
Other names: c.763-304dup (NM_001128834.3); c.658-304dup (NM_199478.3); c.598-304dup (NM_001305004.1).
Identifiers: ClinVar variation 667557 (VCV000667557.1), dbSNP rs11379782, ClinGen allele CA334001438.
Genomic context (GRCh38, chrX:103,790,220, plus strand): 5'-TGTGTGTCTACAGCAAGCACCCTATGACTCTAAGTCACTCGGACATATTGATGTGGCAAA[G>GC]CCCAAATATTGTTCACTTCCCTGAGGAAAACTCAGTGCTAGATCAAACAGAGGTGTGGAA-3'